The following is an entry in ClinVar:

ClinVar aggregate classification (germline): Uncertain significance (1 of 4 stars; one submission).

Allele frequency attached by ClinVar (database versions not stated): gnomAD 0.00001; gnomAD exomes 0.00001 and 0.00002; TOPMed 0.00001; ExAC 0.00005.

Submission:

Laboratory for Molecular Medicine, Mass General Brigham Personalized Medicine
Classification: Uncertain significance. Last evaluated: 2015-05-14. Review status: criteria provided, single submitter. Criteria: LMM Criteria. Collection method: clinical testing. Allele origin: germline. Observed: 1 variant allele.
Comment: The p.Gly27Glu variant in OTOF has not been previously reported in individuals w ith hearing loss, but has been identified in 1/9224 of European chromosomes by t he Exome Aggregation Consortium (ExAC). This var iant is located in the first base of the exon, which is part of the 3? splice re gion. Computational tools do not suggest an impact to splicing. However, this in formation is not predictive enough to rule out pathogenicity. Furthermore, while computational prediction tools and conservation analysis suggest that the p.Gly 27Glu substitution may impact the protein, this information is not predictive en ough to determine pathogenicity. In summary, the clinical significance of the p. Gly27Glu variant is uncertain.

NM_194248.3(OTOF):c.80G>A (p.Gly27Glu)

Gene: OTOF (otoferlin; minus strand). Cytogenetic location: 2p23.3.
Variant type: single nucleotide variant.
Coding change: c.80G>A on transcript NM_194248.3 (MANE Select); coding-DNA position 80, G replaced by A.
Protein change: p.Gly27Glu; replaces glycine 27 with glutamic acid.
Molecular consequence: missense variant.
Genome position (GRCh38, 1-based): chr2:26,537,774, C>T on the plus strand (G>A on the coding strand, the complement: OTOF is on the minus strand). VCF-style: chr2-26537774-C-T. GRCh37 (hg19) VCF-style: chr2-26760642-C-T.
Other names: c.80G>A, p.Gly27Glu (NM_001287489.2); short protein forms G27E.
Identifiers: ClinVar variation 229082 (VCV000229082.5), dbSNP rs778056468, ClinGen allele CA1564818.
Genomic context (GRCh38, chr2:26,537,774, plus strand): 5'-ACCTCATCAAAGTCAGCCACATCCTCACAGTTCTCCAGGACCCGAGAGTAGAAGGATTGC[C>T]CTGTGGGGAAAGAGGAAATAAATTCTAGGGTCAGAGCTGTCCAGACGATGAGCATGGGGT-3'
Protein context (NP_919224.1, residues 17-37): GDRIAKVTFR[Gly27Glu]QSFYSRVLEN